The following is an entry in ClinVar:

ClinVar aggregate classification (germline): Uncertain significance (1 of 4 stars; one submission).

Submission:

Ambry Genetics
Classification: Uncertain significance. Last evaluated: 2024-11-25. Review status: criteria provided, single submitter. Criteria: Ambry Variant Classification Scheme 2023. Collection method: clinical testing. Allele origin: germline.
Comment: The p.R146G variant (also known as c.436C>G), located in coding exon 3 of the ATRIP gene, results from a C to G substitution at nucleotide position 436. The arginine at codon 146 is replaced by glycine, an amino acid with dissimilar properties. This amino acid position is conserved. In addition, this alteration is predicted to be deleterious by in silico analysis. Based on the available evidence, the clinical significance of this variant remains unclear.

NM_130384.3(ATRIP):c.436C>G (p.Arg146Gly)

Genes: ATRIP (ATR interacting protein; plus strand), ATRIP-TREX1 (ATRIP-TREX1 readthrough; plus strand). Cytogenetic location: 3p21.31.
Variant type: single nucleotide variant.
Coding change: c.436C>G on transcript NM_130384.3 (MANE Select); coding-DNA position 436, C replaced by G.
Protein change: p.Arg146Gly; replaces arginine 146 with glycine.
Molecular consequence: missense variant. On other transcripts: non-coding transcript variant (1).
Genome position (GRCh38, 1-based): chr3:48,451,783, C>G. VCF-style: chr3-48451783-C-G. GRCh37 (hg19) VCF-style: chr3-48493189-C-G.
Other names: c.55C>G, p.Arg19Gly (NM_001271022.2); c.157C>G, p.Arg53Gly (NM_001271023.2); c.436C>G, p.Arg146Gly (NM_032166.4); short protein forms R146G, R19G, R53G.
Identifiers: ClinVar variation 3464535 (VCV003464535.1).